The following is an entry in ClinVar:

NM_001080421.3(UNC13A):c.3832-5C>T

Gene: UNC13A (unc-13 homolog A; minus strand). Cytogenetic location: 19p13.11.
Variant type: single nucleotide variant.
Coding change: c.3832-5C>T on transcript NM_001080421.3 (MANE Select); 5 bases into the intron before coding-DNA position 3832, C replaced by T.
Molecular consequence: intron variant.
Genome position (GRCh38, 1-based): chr19:17,627,602, G>A on the plus strand (C>T on the coding strand, the complement: UNC13A is on the minus strand). VCF-style: chr19-17627602-G-A. GRCh37 (hg19) VCF-style: chr19-17738411-G-A.
Other names: c.3823-5C>T (NM_001387022.1); c.3826-5C>T (NM_001387023.1, NM_001387021.1).
Identifiers: ClinVar variation 3047520 (VCV003047520.2), dbSNP rs1476450620, ClinGen allele CA2583393878.

ClinVar aggregate classification (germline): Likely benign (0 of 4 stars; one submission).

Conditions:
UNC13A-related disorder. Also called: UNC13A-related condition.

Submission:

PreventionGenetics, part of Exact Sciences
Classification: Likely benign for UNC13A-related condition. Last evaluated: 2023-09-08. Review status: no assertion criteria provided. Collection method: clinical testing. Allele origin: germline.
Comment: This variant is classified as likely benign based on ACMG/AMP sequence variant interpretation guidelines (Richards et al. 2015 PMID: 25741868, with internal and published modifications).